The following is an entry in ClinVar:

NM_022095.4(ZNF335):c.1897A>G (p.Lys633Glu)

Gene: ZNF335 (zinc finger protein 335; minus strand). Cytogenetic location: 20q13.12.
Variant type: single nucleotide variant.
Coding change: c.1897A>G on transcript NM_022095.4 (MANE Select); coding-DNA position 1897, A replaced by G.
Protein change: p.Lys633Glu; replaces lysine 633 with glutamic acid.
Molecular consequence: missense variant.
Genome position (GRCh38, 1-based): chr20:45,960,331, T>C on the plus strand (A>G on the coding strand, the complement: ZNF335 is on the minus strand). VCF-style: chr20-45960331-T-C. GRCh37 (hg19) VCF-style: chr20-44588970-T-C.
Other names: short protein forms K633E.
Identifiers: ClinVar variation 3065500 (VCV003065500.2), dbSNP rs2515555054, ClinGen allele CA409246064.

ClinVar aggregate classification (germline): Conflicting classifications of pathogenicity. Review status: criteria provided, conflicting classifications (1 of 4 stars). 2 submissions from 2 submitters: Likely pathogenic (1); Uncertain significance (1). Last evaluated 2026-08-05.

Conditions:
Microcephalic primordial dwarfism due to ZNF335 deficiency. Also called: Primary autosomal recessive microcephaly 10. Identifiers: Orphanet 329228, MedGen C3554499, MONDO:0014043, OMIM 615095.

Submissions (2):

Human Genetics Section, Sidra Medicine
Classification: Likely pathogenic for Microcephalic primordial dwarfism due to ZNF335 deficiency. Last evaluated: 2026-08-05. Review status: criteria provided, single submitter. Criteria: ACMG Guidelines, 2015. Collection method: research. Allele origin: germline. Inheritance: Autosomal recessive inheritance. Affected: yes. Observed: 1 variant allele, 1 homozygote.
Comment: This variant is not present in population databases (gnomAD no frequency). Missense variant is predicted to be damaging by multiple in silico tools or highly conserved with amino acid change. Functional disease modelling supports a damaging effect of the variant. The variant is homozygous in three affected siblings from a consanguineous family with neurodegeneration and segregates with the disease phenotype.

Genomic Medicine Center of Excellence, King Faisal Specialist Hospital and Research Centre
Classification: Uncertain significance for Microcephalic primordial dwarfism due to ZNF335 deficiency. Last evaluated: 2024-03-26. Review status: criteria provided, single submitter. Criteria: ACMG Guidelines, 2015. Collection method: clinical testing. Allele origin: germline.